The following is an entry in ClinVar:

ClinVar aggregate classification (germline): Uncertain significance. Review status: criteria provided, multiple submitters, no conflicts (2 of 4 stars). 2 submissions from 2 submitters: Uncertain significance (2). Last evaluated 2023-05-02.

Allele frequency attached by ClinVar (database versions not stated): gnomAD exomes below 0.00001; gnomAD 0.00001.

Submissions (2):

Blueprint Genetics
Classification: Uncertain significance. Last evaluated: 2023-05-02. Review status: criteria provided, single submitter. Criteria: ACMG Guidelines, 2015. Collection method: clinical testing. Allele origin: germline.

GeneDx
Classification: Uncertain significance. Last evaluated: 2022-01-24. Review status: criteria provided, single submitter. Criteria: GeneDx Variant Classification Process June 2021. Collection method: clinical testing. Allele origin: germline. Affected: yes.
Comment: Not observed at significant frequency in large population cohorts (gnomAD); In silico analysis supports that this missense variant does not alter protein structure/function; Has not been previously published as pathogenic or benign to our knowledge

NM_138927.4(SON):c.4325A>G (p.Glu1442Gly)

Gene: SON (SON DNA and RNA binding protein; plus strand). Cytogenetic location: 21q22.11.
Variant type: single nucleotide variant.
Coding change: c.4325A>G on transcript NM_138927.4 (MANE Select); coding-DNA position 4325, A replaced by G.
Protein change: p.Glu1442Gly; replaces glutamic acid 1442 with glycine.
Molecular consequence: missense variant. On other transcripts: non-coding transcript variant (1), intron variant (1).
Genome position (GRCh38, 1-based): chr21:33,553,556, A>G. VCF-style: chr21-33553556-A-G. GRCh37 (hg19) VCF-style: chr21-34925862-A-G.
Other names: c.4325A>G, p.Glu1442Gly (NM_001291411.2, NM_032195.3); c.245-3600A>G (NM_001291412.3); short protein forms E1442G.
Identifiers: ClinVar variation 1698271 (VCV001698271.3), dbSNP rs2085871285, ClinGen allele CA410162386.